The following is an entry in ClinVar:

ClinVar aggregate classification (germline): Conflicting classifications of pathogenicity. Review status: criteria provided, conflicting classifications (1 of 4 stars). 7 submissions from 7 submitters: Uncertain significance (1); Benign (2); Likely benign (3). 1 of the submissions does not count toward it. Last evaluated 2026-07-01.

Conditions:
Hermansky-Pudlak syndrome 4 (HPS4). Identifiers: Orphanet 231500, Orphanet 79430, MedGen C3484357, MONDO:0013556, OMIM 614073.

Allele frequency attached by ClinVar (database versions not stated): 1000 Genomes Project 30x 0.00094; 1000 Genomes Project 0.00100; ESP Exome Variant Server 0.00131; ExAC 0.00132; gnomAD exomes 0.00152 and 0.00228; gnomAD 0.00171 and 0.00184; TOPMed 0.00209.
gnomAD v4.1: 3,595 of 1,614,194 alleles (0.22%); highest among the groups gnomAD compares: Non-Finnish European, 0.28%; 5 homozygotes.

Submissions (7):

CeGaT Center for Human Genetics Tuebingen
Classification: Likely benign. Last evaluated: 2026-07-01. Review status: criteria provided, single submitter. Criteria: CeGaT Center For Human Genetics Tuebingen Variant Classification Criteria Version 2. Collection method: clinical testing. Allele origin: germline. Affected: yes. Observed: 3 variant alleles.
Comment: HPS4: BP4, BS1:Supporting

Labcorp Genetics (formerly Invitae), Labcorp
Classification: Benign. Last evaluated: 2026-02-01. Review status: criteria provided, single submitter. Criteria: Invitae Variant Classification Sherloc (09022015). Collection method: clinical testing. Allele origin: germline.

Mayo Clinic Laboratories, Mayo Clinic
Classification: Likely benign. Last evaluated: 2025-10-20. Review status: criteria provided, single submitter. Criteria: ACMG Guidelines, 2015. Collection method: clinical testing. Allele origin: germline. Observed: 4 variant alleles.
Comment: BS1_supporting, BS2_supporting, BP4

Blueprint Genetics
Classification: Likely benign. Last evaluated: 2024-11-27. Review status: criteria provided, single submitter. Criteria: ACMG Guidelines, 2015. Collection method: clinical testing. Allele origin: germline.

Women's Health and Genetics/Laboratory Corporation of America, LabCorp
Classification: Benign. Last evaluated: 2022-07-15. Review status: criteria provided, single submitter. Criteria: LabCorp Variant Classification Summary - May 2015. Collection method: clinical testing. Allele origin: germline.
Comment: Variant summary: HPS4 c.1396C>T (p.Arg466Cys) results in a non-conservative amino acid change in the encoded protein sequence. Four of five in-silico tools predict a benign effect of the variant on protein function. The variant allele was found at a frequency of 0.0015 in 251262 control chromosomes, predominantly at a frequency of 0.0028 within the Non-Finnish European subpopulation in the gnomAD database, including 1 homozygote. The observed variant frequency within Non-Finnish European control individuals in the gnomAD database is approximately 5-fold of the estimated maximal expected allele frequency for a pathogenic variant in HPS4 causing Hermansky-Pudlak Syndrome phenotype (0.00052), strongly suggesting that the variant is a benign polymorphism found primarily in populations of Non-Finnish European origin. To our knowledge, no occurrence of c.1396C>T in individuals with affected with Hermansky-Pudlak Syndrome and no experimental evidence demonstrating an impact on protein function have been reported. Three clinical diagnostic laboratories have submitted clinical-significance assessments for this variant to ClinVar after 2014. Two laboratories classified the variant as benign (n=1)/likely benign (n=1) and one classified it as VUS. Based on the evidence outlined above, the variant was classified as benign.

Illumina Laboratory Services, Illumina
Classification: Uncertain significance for Hermansky-Pudlak syndrome 4. Last evaluated: 2018-01-12. Review status: criteria provided, single submitter. Criteria: ICSL Variant Classification Criteria 13 December 2019. Collection method: clinical testing. Allele origin: germline.

Department of Pathology and Laboratory Medicine, Sinai Health System
Classification: Likely benign. Review status: no assertion criteria provided. Collection method: clinical testing. Allele origin: unknown. Affected: yes. Study: The Canadian Open Genetics Repository (COGR). Not counted in ClinVar's aggregate classification.
Comment: The HPS4 p.Arg466Cys variant was identified in 1 of 174 proband chromosomes (frequency: 0.0057) from individuals with familial pulmonary fibrosis (Stearman_2019_PMID:3095222). The variant was identified in dbSNP (ID: rs147435410) and ClinVar (classified as benign by Invitae). The variant was identified in control databases in 425 of 282660 chromosomes (1 homozygous) at a frequency of 0.001504 increasing the likelihood this could be a low frequency benign variant (Genome Aggregation Database March 6, 2019, v2.1.1). The variant was observed in the following populations: European (non-Finnish) in 357 of 129024 chromosomes (freq: 0.002767), Other in 15 of 7224 chromosomes (freq: 0.002076), Latino in 32 of 35438 chromosomes (freq: 0.000903), African in 11 of 24964 chromosomes (freq: 0.000441), European (Finnish) in 8 of 25076 chromosomes (freq: 0.000319), East Asian in 1 of 19954 chromosomes (freq: 0.00005) and South Asian in 1 of 30616 chromosomes (freq: 0.000033), but was not observed in the Ashkenazi Jewish population. The p.Arg466 residue is not conserved in mammals and computational analyses (PolyPhen-2, SIFT, AlignGVGD, BLOSUM, MutationTaster) do not suggest a high likelihood of impact to the protein; however, this information is not predictive enough to rule out pathogenicity. The variant occurs outside of the splicing consensus sequence and in silico or computational prediction software programs (SpliceSiteFinder, MaxEntScan, NNSPLICE, GeneSplicer) do not predict a difference in splicing. In summary, based on the above information the clinical significance of this variant cannot be determined with certainty at this time although we would lean towards a more benign role for this variant. This variant is classified as likely benign.

Literature cited by the submitters: PubMed 26257771 (cited by Mayo Clinic Laboratories, Mayo Clinic); PubMed 30985222 (cited by Mayo Clinic Laboratories, Mayo Clinic and Women's Health and Genetics/Laboratory Corporation of America, LabCorp); PubMed 31898847 (cited by Mayo Clinic Laboratories, Mayo Clinic).

NM_022081.6(HPS4):c.1396C>T (p.Arg466Cys)

Gene: HPS4 (HPS4 biogenesis of lysosomal organelles complex 3 subunit 2; minus strand). Cytogenetic location: 22q12.1.
Variant type: single nucleotide variant.
Coding change: c.1396C>T on transcript NM_022081.6 (MANE Select); coding-DNA position 1396, C replaced by T.
Protein change: p.Arg466Cys; replaces arginine 466 with cysteine.
Molecular consequence: missense variant. On other transcripts: non-coding transcript variant (8).
Genome position (GRCh38, 1-based): chr22:26,464,234, G>A on the plus strand (C>T on the coding strand, the complement: HPS4 is on the minus strand). VCF-style: chr22-26464234-G-A. GRCh37 (hg19) VCF-style: chr22-26860200-G-A.
Other names: p.Arg466Cys; c.1396C>T, p.Arg466Cys (NM_001349896.1, NM_001349898.2, NM_001349899.2 and 4 more transcripts); c.1450C>T, p.Arg484Cys (NM_001349900.2, NM_001349901.1); c.1381C>T, p.Arg461Cys (NM_152841.2); short protein forms R466C, R461C, R484C.
Identifiers: ClinVar variation 732557 (VCV000732557.55), dbSNP rs147435410, ClinGen allele CA10163334.